The following is an entry in ClinVar:

NM_022124.6(CDH23):c.8062A>G (p.Ser2688Gly)

Genes: CDH23 (cadherin related 23; plus strand), LOC111982869 (Sharpr-MPRA regulatory region 2121; plus strand). Cytogenetic location: 10q22.1.
Variant type: single nucleotide variant.
Coding change: c.8062A>G on transcript NM_022124.6 (MANE Select); coding-DNA position 8062, A replaced by G.
Protein change: p.Ser2688Gly; replaces serine 2688 with glycine.
Molecular consequence: missense variant.
Genome position (GRCh38, 1-based): chr10:71,805,995, A>G. VCF-style: chr10-71805995-A-G. GRCh37 (hg19) VCF-style: chr10-73565752-A-G.
Other names: c.1342A>G, p.Ser448Gly (NM_001171933.1, NM_001171934.1); short protein forms S2688G, S448G.
Identifiers: ClinVar variation 878902 (VCV000878902.9), dbSNP rs754761193, ClinGen allele CA5546519.
Genomic context (GRCh38, chr10:71,805,995, plus strand): 5'-CCAATCAGCGGCCTCATCCAGACTGCTCAGCGCCTGGACCGCGAGTCGCAGGCGGTGTAC[A>G]GCGTAAGGGCGGGGCCCGGTGCGAGGGGCGGGGTCTGGGGCGGGGCTTTCTTCTGGGGGC-3'
Protein context (NP_071407.4, residues 2678-2698): RLDRESQAVY[Ser2688Gly]LILVASDLGQ

ClinVar aggregate classification (germline): Uncertain significance. Review status: criteria provided, multiple submitters, no conflicts (2 of 4 stars). 6 submissions from 5 submitters: Uncertain significance (6). Last evaluated 2025-12-17.

Conditions:
Autosomal recessive nonsyndromic hearing loss 12. Also called: DEAFNESS, AUTOSOMAL RECESSIVE 12. Identifiers: Orphanet 90636, MedGen C1832394, MONDO:0011067, OMIM 601386.
Usher syndrome type 1D (USH1D). Also called: USHER SYNDROME, TYPE ID. Identifiers: Orphanet 231169, Orphanet 886, MedGen C1832845, MONDO:0010984, OMIM 601067.
Inborn genetic diseases. Identifiers: MedGen C0950123, MeSH D030342.

Allele frequency attached by ClinVar (database versions not stated): gnomAD exomes 0.00005 and 0.00019; ExAC 0.00002; gnomAD 0.00004.
gnomAD v4.1: 259 of 1,498,732 alleles (0.017%); highest among the groups gnomAD compares: Non-Finnish European, 0.022%; 1 homozygote.

Submissions (6):

GeneDx
Classification: Uncertain significance. Last evaluated: 2025-12-17. Review status: criteria provided, single submitter. Criteria: GeneDx Variant Classification Process June 2021. Collection method: clinical testing. Allele origin: germline. Affected: yes.
Comment: In silico analysis suggests that this missense variant does not alter protein structure/function; Has not been previously published as pathogenic or benign to our knowledge; In silico analysis suggests this variant may impact gene splicing. In the absence of RNA/functional studies, the actual effect of this sequence change is unknown.

Ambry Genetics
Classification: Uncertain significance for Inborn genetic diseases. Last evaluated: 2025-11-07. Review status: criteria provided, single submitter. Criteria: Ambry Variant Classification Scheme 2023. Collection method: clinical testing. Allele origin: germline.

Labcorp Genetics (formerly Invitae), Labcorp
Classification: Uncertain significance. Last evaluated: 2024-12-02. Review status: criteria provided, single submitter. Criteria: Invitae Variant Classification Sherloc (09022015). Collection method: clinical testing. Allele origin: germline.
Comment: This sequence change replaces serine, which is neutral and polar, with glycine, which is neutral and non-polar, at codon 2688 of the CDH23 protein (p.Ser2688Gly). This variant is present in population databases (rs754761193, gnomAD 0.01%). This variant has not been reported in the literature in individuals affected with CDH23-related conditions. ClinVar contains an entry for this variant (Variation ID: 878902). Experimental studies and prediction algorithms are not available or were not evaluated, and the functional significance of this variant is currently unknown. In summary, the available evidence is currently insufficient to determine the role of this variant in disease. Therefore, it has been classified as a Variant of Uncertain Significance.

Blueprint Genetics
Classification: Uncertain significance. Last evaluated: 2022-11-18. Review status: criteria provided, single submitter. Criteria: ACMG Guidelines, 2015. Collection method: clinical testing. Allele origin: germline.

Illumina Laboratory Services, Illumina
Classification: Uncertain significance for Usher syndrome type 1D. Last evaluated: 2018-01-13. Review status: criteria provided, single submitter. Criteria: ICSL Variant Classification Criteria 13 December 2019. Collection method: clinical testing. Allele origin: germline.

Illumina Laboratory Services, Illumina
Classification: Uncertain significance for Autosomal recessive nonsyndromic hearing loss 12. Last evaluated: 2018-01-13. Review status: criteria provided, single submitter. Criteria: ICSL Variant Classification Criteria 13 December 2019. Collection method: clinical testing. Allele origin: germline.